The following is an entry in ClinVar:

NM_000051.4(ATM):c.7356G>A (p.Leu2452=)

Genes: ATM (ATM serine/threonine kinase; plus strand), C11orf65 (chromosome 11 open reading frame 65; minus strand). Cytogenetic location: 11q22.3.
Variant type: single nucleotide variant.
Coding change: c.7356G>A on transcript NM_000051.4 (MANE Select); coding-DNA position 7356, G replaced by A.
Protein change: p.Leu2452=; no amino-acid change (leucine 2452 retained).
Molecular consequence: synonymous variant. On other transcripts: intron variant (2).
Genome position (GRCh38, 1-based): chr11:108,330,262, G>A. VCF-style: chr11-108330262-G-A. GRCh37 (hg19) VCF-style: chr11-108200989-G-A.
Other names: c.7356G>A, p.Leu2452= (NM_001351834.2); c.641-21191C>T (NM_001330368.2); c.*38+4958C>T (NM_001351110.2).
Identifiers: ClinVar variation 1758475 (VCV001758475.3), dbSNP rs2086116800, ClinGen allele CA476676859.

ClinVar aggregate classification (germline): Benign/Likely benign. Review status: criteria provided, multiple submitters, no conflicts (2 of 4 stars). 2 submissions from 2 submitters: Benign (1); Likely benign (1). Last evaluated 2024-06-13.

Conditions:
Hereditary cancer-predisposing syndrome. Also called: Hereditary neoplastic syndrome; Neoplastic Syndromes, Hereditary; Tumor predisposition; Hereditary Cancer Syndrome. Identifiers: Orphanet 140162, MedGen C0027672, MeSH D009386, MONDO:0015356.
Familial cancer of breast. Also called: Hereditary breast cancer; hereditary breast carcinoma; BREAST CANCER, FAMILIAL. Identifiers: Orphanet 227535, MedGen C0346153, MONDO:0016419, OMIM 114480. Disease mechanism: loss of function.

Submissions (2):

Myriad Genetics, Inc.
Classification: Benign for Familial cancer of breast. Last evaluated: 2024-06-13. Review status: criteria provided, single submitter. Criteria: Myriad Autosomal Dominant, Autosomal Recessive and X-Linked Classification Criteria (2023). Collection method: clinical testing. Allele origin: unknown.
Comment: This variant is considered benign. This variant is a silent/synonymous amino acid change and it is not expected to impact splicing.

Ambry Genetics
Classification: Likely benign for Hereditary cancer-predisposing syndrome. Last evaluated: 2020-03-30. Review status: criteria provided, single submitter. Criteria: Ambry Variant Classification Scheme 2023. Collection method: clinical testing. Allele origin: germline.